The following is an entry in ClinVar:

NM_001365902.3(NFIX):c.604A>G (p.Ile202Val)

Gene: NFIX (nuclear factor I X; plus strand). Cytogenetic location: 19p13.13.
Variant type: single nucleotide variant.
Coding change: c.604A>G on transcript NM_001365902.3 (MANE Select); coding-DNA position 604, A replaced by G.
Protein change: p.Ile202Val; replaces isoleucine 202 with valine.
Molecular consequence: missense variant.
Genome position (GRCh38, 1-based): chr19:13,073,091, A>G. VCF-style: chr19-13073091-A-G. GRCh37 (hg19) VCF-style: chr19-13183905-A-G.
Other names: c.604A>G (NM_002501.2); c.628A>G, p.Ile210Val (NM_001271043.2); c.580A>G, p.Ile194Val (NM_001271044.3, NM_001378404.1); c.604A>G, p.Ile202Val (NM_001365982.2, NM_002501.4); c.463A>G, p.Ile155Val (NM_001365983.2); c.601A>G, p.Ile201Val (NM_001365984.2, NM_001365985.2); c.652A>G, p.Ile218Val (NM_001378405.1); short protein forms I210V, I218V, I155V, I194V, I201V, I202V.
Identifiers: ClinVar variation 1583230 (VCV001583230.34), dbSNP rs772764812, ClinGen allele CA9237008.

ClinVar aggregate classification (germline): Likely benign. Review status: criteria provided, multiple submitters, no conflicts (2 of 4 stars). 4 submissions from 4 submitters: Likely benign (4). Last evaluated 2024-11-14.

Conditions:
Inborn genetic diseases. Identifiers: MedGen C0950123, MeSH D030342.
Marshall-Smith syndrome (MRSHSS). Identifiers: Orphanet 561, MedGen C0265211, MONDO:0011244, OMIM 602535.
Malan overgrowth syndrome (MALNS). Also called: Sotos syndrome 2; NFIX-Related Malan Syndrome; MALAN SYNDROME. Identifiers: Orphanet 420179, MedGen C3553660, MONDO:0013885, OMIM 614753.

Allele frequency attached by ClinVar (database versions not stated): gnomAD 0.00001; TOPMed 0.00003; ExAC 0.00005; gnomAD exomes 0.00007.
gnomAD v4.1: 71 of 1,613,876 alleles (0.0044%); highest among the groups gnomAD compares: Middle Eastern, 0.049%; no homozygotes.

Submissions (4):

Ambry Genetics
Classification: Likely benign for Inborn genetic diseases. Last evaluated: 2024-11-14. Review status: criteria provided, single submitter. Criteria: Ambry Variant Classification Scheme 2023. Collection method: clinical testing. Allele origin: germline.

Blueprint Genetics
Classification: Likely benign. Last evaluated: 2024-09-03. Review status: criteria provided, single submitter. Criteria: ACMG Guidelines, 2015. Collection method: clinical testing. Allele origin: germline.

CeGaT Center for Human Genetics Tuebingen
Classification: Likely benign. Last evaluated: 2023-04-01. Review status: criteria provided, single submitter. Criteria: CeGaT Center For Human Genetics Tuebingen Variant Classification Criteria Version 2. Collection method: clinical testing. Allele origin: germline. Affected: yes. Observed: 1 variant allele.
Comment: NFIX: PP2, BS1

Labcorp Genetics (formerly Invitae), Labcorp
Classification: Likely benign for Malan overgrowth syndrome; Marshall-Smith syndrome. Last evaluated: 2022-04-12. Review status: criteria provided, single submitter. Criteria: Invitae Variant Classification Sherloc (09022015). Collection method: clinical testing. Allele origin: germline.